The following is an entry in ClinVar:

NM_016363.5(GP6):c.*817_*834del

Gene: GP6 (glycoprotein VI platelet; minus strand). Cytogenetic location: 19q13.42.
Variant type: Deletion.
Coding change: c.*817_*834del on transcript NM_016363.5 (MANE Select); 817 bases downstream of the stop codon through 834 bases downstream of the stop codon, 18 bases deleted (ATATGTCAATTACCCTGA).
Molecular consequence: 3 prime UTR variant. On other transcripts: inframe deletion (1).
Genome position (GRCh38, 1-based): chr19:55,014,087-55,014,104, TCAGGGTAATTGACATAT deleted on the plus strand (ATATGTCAATTACCCTGA on the coding strand, the reverse complement: GP6 is on the minus strand); deleting any 18 consecutive bases within chr19:55,014,087-55,014,107 gives the same sequence; the c. name uses the placement nearest the transcript's 3' end. VCF-style (leftmost placement, unchanged base first): chr19-55014086-ATCAGGGTAATTGACATAT-A. GRCh37 (hg19) VCF-style: chr19-55525454-ATCAGGGTAATTGACATAT-A.
Other names: p.Asn614_Leu619del; c.1841_1858del, p.Asn614_Leu619del (NM_001083899.2); c.*817_*834del (NM_001256017.2).
Identifiers: ClinVar variation 2066876 (VCV002066876.3), dbSNP rs774618165, ClinGen allele CA310120961.

ClinVar aggregate classification (germline): Uncertain significance. Review status: criteria provided, multiple submitters, no conflicts (2 of 4 stars). 2 submissions from 2 submitters: Uncertain significance (2). Last evaluated 2025-03-12.

Submissions (2):

Mayo Clinic Laboratories, Mayo Clinic
Classification: Uncertain significance. Last evaluated: 2025-03-12. Review status: criteria provided, single submitter. Criteria: ACMG Guidelines, 2015. Collection method: clinical testing. Allele origin: germline. Observed: 1 variant allele.
Comment: PM4

Labcorp Genetics (formerly Invitae), Labcorp
Classification: Uncertain significance. Last evaluated: 2024-12-09. Review status: criteria provided, single submitter. Criteria: Invitae Variant Classification Sherloc (09022015). Collection method: clinical testing. Allele origin: germline.
Comment: This variant, c.1841_1858del, results in the deletion of 6 amino acid(s) of the GP6 protein (p.Asn614_Leu619del), but otherwise preserves the integrity of the reading frame. This variant is present in population databases (rs774618165, gnomAD 0.05%). This variant has not been reported in the literature in individuals affected with GP6-related conditions. ClinVar contains an entry for this variant (Variation ID: 2066876). Experimental studies and prediction algorithms are not available or were not evaluated, and the functional significance of this variant is currently unknown. In summary, the available evidence is currently insufficient to determine the role of this variant in disease. Therefore, it has been classified as a Variant of Uncertain Significance.